The following is an entry in ClinVar:

NM_001035.3(RYR2):c.4276-13G>A

Gene: RYR2 (ryanodine receptor 2; plus strand). Cytogenetic location: 1q43.
Variant type: single nucleotide variant.
Coding change: c.4276-13G>A on transcript NM_001035.3 (MANE Select); 13 bases into the intron before coding-DNA position 4276, G replaced by A.
Molecular consequence: intron variant.
Genome position (GRCh38, 1-based): chr1:237,593,463, G>A. VCF-style: chr1-237593463-G-A. GRCh37 (hg19) VCF-style: chr1-237756763-G-A.
Identifiers: ClinVar variation 2196706 (VCV002196706.5), dbSNP rs1310372760, ClinGen allele CA733325250.

ClinVar aggregate classification (germline): Likely benign. Review status: criteria provided, multiple submitters, no conflicts (2 of 4 stars). 2 submissions from 2 submitters: Likely benign (2). Last evaluated 2025-10-28.

Conditions:
Catecholaminergic polymorphic ventricular tachycardia (CVPT). Also called: Catecholamine-induced polymorphic ventricular tachycardia. Identifiers: Orphanet 3286, MedGen C5574922, MONDO:0017990.
Catecholaminergic polymorphic ventricular tachycardia 1. Also called: VENTRICULAR TACHYCARDIA, STRESS-INDUCED POLYMORPHIC 1; VENTRICULAR TACHYCARDIA, CATECHOLAMINERGIC POLYMORPHIC, 1, WITH OR WITHOUT ATRIAL DYSFUNCTION AND/OR DILATED CARDIOMYOPATHY; RYR2-Related Catecholaminergic Polymorphic Ventricular Tachycardia. Identifiers: Orphanet 3286, MedGen C1631597, MONDO:0011484, OMIM 604772.

Allele frequency attached by ClinVar (database versions not stated): gnomAD exomes below 0.00001; TOPMed 0.00002.
gnomAD v4.1: 1 of 1,585,592 alleles (0.000063%); highest among the groups gnomAD compares: Admixed American, 0.0018%; no homozygotes.

Submissions (2):

Labcorp Genetics (formerly Invitae), Labcorp
Classification: Likely benign for Catecholaminergic polymorphic ventricular tachycardia 1. Last evaluated: 2025-10-28. Review status: criteria provided, single submitter. Criteria: Invitae Variant Classification Sherloc (09022015). Collection method: clinical testing. Allele origin: germline.

All of Us Research Program, National Institutes of Health
Classification: Likely benign for Catecholaminergic polymorphic ventricular tachycardia. Last evaluated: 2024-01-03. Review status: criteria provided, single submitter. Criteria: ACMG Guidelines, 2015. Collection method: clinical testing. Allele origin: germline. Inheritance: Autosomal dominant inheritance. Observed: 1 variant allele, 1 heterozygote.
Comment: This study involves interpretation of variants in research participants for the purpose of population health screening. Participant phenotype was not available at the time of variant classification. Additional details can be found in publication PMID: 35346344, PMCID: PMC8962531